The following is an entry in ClinVar:

ClinVar aggregate classification (germline): Uncertain significance (0 of 4 stars; one submission).

Conditions:
RET-related disorder. Also called: RET-related disorders; RET-related condition; RET-related disease.

Submission:

PreventionGenetics, part of Exact Sciences
Classification: Uncertain significance for RET-related condition. Last evaluated: 2024-07-11. Review status: no assertion criteria provided. Collection method: clinical testing. Allele origin: germline.
Comment: The RET c.1198G>A variant is predicted to result in the amino acid substitution p.Val400Ile. To our knowledge, this variant has not been reported in the literature or in a large population database, indicating this variant is rare. At this time, the clinical significance of this variant is uncertain due to the absence of conclusive functional and genetic evidence.

NM_020975.6(RET):c.1198G>A (p.Val400Ile)

Gene: RET (ret proto-oncogene; plus strand). Cytogenetic location: 10q11.21.
Variant type: single nucleotide variant.
Coding change: c.1198G>A on transcript NM_020975.6 (MANE Select); coding-DNA position 1198, G replaced by A.
Protein change: p.Val400Ile; replaces valine 400 with isoleucine.
Molecular consequence: missense variant. On other transcripts: intron variant (18).
Genome position (GRCh38, 1-based): chr10:43,109,165, G>A. VCF-style: chr10-43109165-G-A. GRCh37 (hg19) VCF-style: chr10-43604613-G-A.
Other names: c.436G>A, p.Val146Ile (NM_001355216.2); c.1198G>A, p.Val400Ile (NM_001406743.1, NM_001406744.1, NM_001406759.1 and 4 more transcripts); c.1069G>A, p.Val357Ile (NM_001406761.1, NM_001406762.1, NM_001406764.1 and 1 more transcripts); c.910G>A, p.Val304Ile (NM_001406766.1, NM_001406767.1, NM_001406770.1); c.760G>A, p.Val254Ile (NM_001406771.1, NM_001406773.1); c.472G>A, p.Val158Ile (NM_001406775.1, NM_001406776.1, NM_001406777.1 and 1 more transcripts); c.208G>A, p.Val70Ile (NM_001406784.1); c.868-2042G>A (NM_001406772.1, NM_001406769.1); and 5 more; short protein forms V146I, V158I, V254I, V304I, V357I, V400I, V70I.
Identifiers: ClinVar variation 3344443 (VCV003344443.1).
Genomic context (GRCh38, chr10:43,109,165, plus strand): 5'-GACTTCCAGGGCCCAGGAGCGGGCGTCCTCTTGCTCCACTTCAACGTGTCGGTGCTGCCG[G>A]TCAGCCTGCACCTGCCCAGTACCTACTCCCTCTCCGTGAGCAGGAGGGCTCGCCGATTTG-3'
Protein context (NP_066124.1, residues 390-410): LLHFNVSVLP[Val400Ile]SLHLPSTYSL